The following is an entry in ClinVar:

NM_000273.3(GPR143):c.768_769del (p.Cys256fs)

Gene: GPR143 (G protein-coupled receptor 143; minus strand). Cytogenetic location: Xp22.2.
Variant type: Deletion.
Coding change: c.768_769del on transcript NM_000273.3 (MANE Select); coding-DNA positions 768 to 769, 2 bases deleted (TT; older notation c.768_769delTT).
Protein change: p.Cys256fs; shifts the reading frame from cysteine 256.
Molecular consequence: frameshift variant.
Genome position (GRCh38, 1-based): chrX:9,741,454-9,741,455, AA deleted on the plus strand (TT on the coding strand, the reverse complement: GPR143 is on the minus strand). VCF-style (leftmost placement, unchanged base first): chrX-9741453-CAA-C. GRCh37 (hg19) VCF-style: chrX-9709493-CAA-C.
Other names: c.768_769del, p.Cys256fs (NM_001440781.1); short protein forms C256fs.
Identifiers: ClinVar variation 4077135 (VCV004077135.1).

ClinVar aggregate classification (germline): Pathogenic (1 of 4 stars; one submission).

Conditions:
Nystagmus 6, congenital, X-linked (NYS6). Identifiers: MedGen C3151752, MONDO:0010435, OMIM 300814.
Ocular albinism, type I (OA1). Also called: X-linked recessive ocular albinism; Ocular Albinism type 1; Ocular albinism, type I, Nettleship-Falls type; NETTLESHIP-FALLS TYPE OCULAR ALBINISM. Identifiers: Orphanet 54, MedGen C0342684, MONDO:0021019, OMIM 300500.

Submission:

Laboratory of Genetic Epidemiology, Research Centre for Medical Genetics
Classification: Pathogenic for Nystagmus 6, congenital, X-linked; Ocular albinism, type I. Last evaluated: 2025-01-01. Review status: criteria provided, single submitter. Criteria: ACMG Guidelines, 2015. Collection method: clinical testing. Allele origin: unknown. Inheritance: Autosomal recessive inheritance. Affected: yes. Observed: 1 hemizygote.
Comment: This variant has been previously reported in the literature (PMID: 38648460) and is not listed in gnomAD v3.1.2. Taken together, the variant meets the following ACMG/AMP criteria and can be classified as pathogenic with PM2, PVS1, PP4 criteria.

Literature cited by the submitters: PubMed 38648460; PubMed 41428507.